The following is an entry in ClinVar:

ClinVar aggregate classification (germline): Uncertain significance. Review status: criteria provided, multiple submitters, no conflicts (2 of 4 stars). 2 submissions from 2 submitters: Uncertain significance (2). Last evaluated 2020-10-01.

Conditions:
Developmental and epileptic encephalopathy. Identifiers: MedGen C5779964, MONDO:0100620.

Allele frequency attached by ClinVar (database versions not stated): TOPMed below 0.00001; gnomAD exomes 0.00001; ExAC 0.00002; gnomAD 0.00002.
gnomAD v4.1: 7 of 1,613,930 alleles (0.00043%); highest among the groups gnomAD compares: Non-Finnish European, 0.00059%; no homozygotes.

Submissions (2):

Labcorp Genetics (formerly Invitae), Labcorp
Classification: Uncertain significance for Early-infantile DEE. Last evaluated: 2020-10-01. Review status: criteria provided, single submitter. Criteria: Invitae Variant Classification Sherloc (09022015). Collection method: clinical testing. Allele origin: germline.
Comment: In summary, the available evidence is currently insufficient to determine the role of this variant in disease. Therefore, it has been classified as a Variant of Uncertain Significance. Algorithms developed to predict the effect of sequence changes on RNA splicing suggest that this variant may create or strengthen a splice site, but this prediction has not been confirmed by published transcriptional studies. Algorithms developed to predict the effect of missense changes on protein structure and function do not agree on the potential impact of this missense change (SIFT: "Deleterious"; PolyPhen-2: "Benign"; Align-GVGD: "Class C0"). This variant has not been reported in the literature in individuals with ST3GAL3-related disease. ClinVar contains an entry for this variant (Variation ID: 212315). This variant is present in population databases (rs779300816, ExAC 0.003%). This sequence change replaces lysine with arginine at codon 364 of the ST3GAL3 protein (p.Lys364Arg). The lysine residue is highly conserved and there is a small physicochemical difference between lysine and arginine.

Genetic Services Laboratory, University of Chicago
Classification: Uncertain significance. Last evaluated: 2013-06-20. Review status: criteria provided, single submitter. Criteria: ACMG Guidelines, 2007. Collection method: clinical testing. Allele origin: germline.

NM_006279.5(ST3GAL3):c.1091A>G (p.Lys364Arg)

Gene: ST3GAL3 (ST3 beta-galactoside alpha-2,3-sialyltransferase 3; plus strand). Cytogenetic location: 1p34.1.
Variant type: single nucleotide variant.
Coding change: c.1091A>G on transcript NM_006279.5 (MANE Select); coding-DNA position 1091, A replaced by G.
Protein change: p.Lys364Arg; replaces lysine 364 with arginine.
Molecular consequence: missense variant. On other transcripts: 3 prime UTR variant (4), synonymous variant (6), non-coding transcript variant (8).
Genome position (GRCh38, 1-based): chr1:43,930,184, A>G. VCF-style: chr1-43930184-A-G. GRCh37 (hg19) VCF-style: chr1-44395856-A-G.
Other names: c.1001A>G, p.Lys334Arg (NM_001270459.2); c.998A>G, p.Lys333Arg (NM_001270460.2); c.749A>G, p.Lys250Arg (NM_001270461.3); c.656A>G, p.Lys219Arg (NM_001270462.3); c.*1A>G (NM_001270463.3, NM_001270464.3, NM_001270466.3); c.*75A>G (NM_001270465.3); c.1332A>G, p.Glu444= (NM_001350619.2); c.1287A>G, p.Glu429= (NM_001350620.2); and 11 more; short protein forms K433R, K364R, K320R, K402R, K250R, K333R, K334R, K348R.
Identifiers: ClinVar variation 212315 (VCV000212315.11), dbSNP rs779300816, ClinGen allele CA205097.